The following is an entry in ClinVar:

NM_018006.5(TRMU):c.703C>T (p.Gln235Ter)

Gene: TRMU (tRNA mitochondrial 2-thiouridylase; plus strand). Cytogenetic location: 22q13.31.
Variant type: single nucleotide variant.
Coding change: c.703C>T on transcript NM_018006.5 (MANE Select); coding-DNA position 703, C replaced by T.
Protein change: p.Gln235Ter; replaces glutamine 235 with a stop codon.
Molecular consequence: nonsense. On other transcripts: non-coding transcript variant (2).
Genome position (GRCh38, 1-based): chr22:46,352,172, C>T. VCF-style: chr22-46352172-C-T. GRCh37 (hg19) VCF-style: chr22-46748069-C-T.
Other names: c.361C>T, p.Gln121Ter (NM_001282782.2); c.283C>T, p.Gln95Ter (NM_001282783.2, NM_001282784.2); c.703C>T, p.Gln235Ter (NM_001282785.2); short protein forms Q121*, Q235*, Q95*.
Identifiers: ClinVar variation 1068790 (VCV001068790.8), dbSNP rs1800386420, ClinGen allele CA411946222.

ClinVar aggregate classification (germline): Pathogenic/Likely pathogenic. Review status: criteria provided, multiple submitters, no conflicts (2 of 4 stars). 2 submissions from 2 submitters: Pathogenic (1); Likely pathogenic (1). Last evaluated 2023-05-23.

Conditions:
Aminoglycoside-induced deafness. Also called: DEAFNESS, STREPTOMYCIN-INDUCED; MT-RNR1-Related Hearing Loss and Deafness; STREPTOMYCIN OTOTOXICITY. Identifiers: Orphanet 168609, MedGen C1838854, MONDO:0010799, OMIM 580000.

gnomAD v4.1: 1 of 1,614,220 alleles (0.000062%); highest among the groups gnomAD compares: Non-Finnish European, 0.000085%; no homozygotes.

Submissions (2):

Labcorp Genetics (formerly Invitae), Labcorp
Classification: Pathogenic. Last evaluated: 2023-05-23. Review status: criteria provided, single submitter. Criteria: Invitae Variant Classification Sherloc (09022015). Collection method: clinical testing. Allele origin: germline.
Comment: For these reasons, this variant has been classified as Pathogenic. This sequence change creates a premature translational stop signal (p.Gln235*) in the TRMU gene. It is expected to result in an absent or disrupted protein product. Loss-of-function variants in TRMU are known to be pathogenic (PMID: 19732863, 23625533). This variant is not present in population databases (gnomAD no frequency). This variant has not been reported in the literature in individuals affected with TRMU-related conditions. ClinVar contains an entry for this variant (Variation ID: 1068790).

Baylor Genetics
Classification: Likely pathogenic for Aminoglycoside-induced deafness. Last evaluated: 2022-02-19. Review status: criteria provided, single submitter. Criteria: ACMG Guidelines, 2015. Collection method: clinical testing. Allele origin: unknown.

Literature cited by the submitters: PubMed 19732863 (cited by Labcorp Genetics (formerly Invitae), Labcorp); PubMed 23625533 (cited by Labcorp Genetics (formerly Invitae), Labcorp).